The following is an entry in ClinVar:

NM_020975.6(RET):c.910G>A (p.Val304Ile)

Gene: RET (ret proto-oncogene; plus strand). Cytogenetic location: 10q11.21.
Variant type: single nucleotide variant.
Coding change: c.910G>A on transcript NM_020975.6 (MANE Select); coding-DNA position 910, G replaced by A.
Protein change: p.Val304Ile; replaces valine 304 with isoleucine.
Molecular consequence: missense variant.
Genome position (GRCh38, 1-based): chr10:43,106,418, G>A. VCF-style: chr10-43106418-G-A. GRCh37 (hg19) VCF-style: chr10-43601866-G-A.
Other names: c.910G>A, p.Val304Ile (NM_000323.2, NM_001406743.1, NM_001406744.1 and 6 more transcripts); c.148G>A, p.Val50Ile (NM_001355216.2); c.781G>A, p.Val261Ile (NM_001406761.1, NM_001406762.1, NM_001406764.1 and 1 more transcripts); c.622G>A, p.Val208Ile (NM_001406766.1, NM_001406767.1, NM_001406770.1); short protein forms V261I, V208I, V304I, V50I.
Identifiers: ClinVar variation 2170182 (VCV002170182.6), dbSNP rs2132719501, ClinGen allele CA376545852.

ClinVar aggregate classification (germline): Uncertain significance. Review status: criteria provided, multiple submitters, no conflicts (2 of 4 stars). 3 submissions from 3 submitters: Uncertain significance (3). Last evaluated 2025-08-19.

Conditions:
Multiple endocrine neoplasia, type 2 (MEN2). Identifiers: Orphanet 653, MedGen C4048306, MONDO:0019003. Disease mechanism: gain of function.
Hereditary cancer-predisposing syndrome. Also called: Hereditary neoplastic syndrome; Neoplastic Syndromes, Hereditary; Hereditary Cancer Syndrome; Tumor predisposition. Identifiers: Orphanet 140162, MedGen C0027672, MeSH D009386, MONDO:0015356.

Submissions (3):

Ambry Genetics
Classification: Uncertain significance for Hereditary cancer-predisposing syndrome. Last evaluated: 2025-08-19. Review status: criteria provided, single submitter. Criteria: Ambry Variant Classification Scheme 2023. Collection method: clinical testing. Allele origin: germline.
Comment: The p.V304I variant (also known as c.910G>A), located in coding exon 5 of the RET gene, results from a G to A substitution at nucleotide position 910. The valine at codon 304 is replaced by isoleucine, an amino acid with highly similar properties. This amino acid position is highly conserved in available vertebrate species. In addition, this alteration is predicted to be tolerated by in silico analysis. Based on the available evidence, the clinical significance of this variant remains unclear.

Labcorp Genetics (formerly Invitae), Labcorp
Classification: Uncertain significance for Multiple endocrine neoplasia, type 2. Last evaluated: 2024-09-23. Review status: criteria provided, single submitter. Criteria: Invitae Variant Classification Sherloc (09022015). Collection method: clinical testing. Allele origin: germline.
Comment: This sequence change replaces valine, which is neutral and non-polar, with isoleucine, which is neutral and non-polar, at codon 304 of the RET protein (p.Val304Ile). This variant is not present in population databases (gnomAD no frequency). This variant has not been reported in the literature in individuals affected with RET-related conditions. ClinVar contains an entry for this variant (Variation ID: 2170182). An algorithm developed to predict the effect of missense changes on protein structure and function (PolyPhen-2) suggests that this variant is likely to be tolerated. In summary, the available evidence is currently insufficient to determine the role of this variant in disease. Therefore, it has been classified as a Variant of Uncertain Significance.

Quest Diagnostics Nichols Institute San Juan Capistrano
Classification: Uncertain significance. Last evaluated: 2023-12-20. Review status: criteria provided, single submitter. Criteria: Quest Diagnostics criteria. Collection method: clinical testing. Allele origin: unknown.